The following is an entry in ClinVar:

ClinVar aggregate classification (germline): Uncertain significance (1 of 4 stars; one submission).

Allele frequency attached by ClinVar (database versions not stated): ExAC 0.00001; gnomAD 0.00003; TOPMed 0.00003.
gnomAD v4.1: 85 of 1,613,656 alleles (0.0053%); highest among the groups gnomAD compares: Non-Finnish European, 0.0068%; no homozygotes.

Submission:

Labcorp Genetics (formerly Invitae), Labcorp
Classification: Uncertain significance. Last evaluated: 2023-12-11. Review status: criteria provided, single submitter. Criteria: Invitae Variant Classification Sherloc (09022015). Collection method: clinical testing. Allele origin: germline.
Comment: This sequence change replaces isoleucine, which is neutral and non-polar, with threonine, which is neutral and polar, at codon 35 of the JAK2 protein (p.Ile35Thr). This variant is present in population databases (rs761588246, gnomAD 0.006%). This variant has not been reported in the literature in individuals affected with JAK2-related conditions. ClinVar contains an entry for this variant (Variation ID: 2184833). Advanced modeling of protein sequence and biophysical properties (such as structural, functional, and spatial information, amino acid conservation, physicochemical variation, residue mobility, and thermodynamic stability) performed at Invitae indicates that this missense variant is not expected to disrupt JAK2 protein function with a negative predictive value of 95%. In summary, the available evidence is currently insufficient to determine the role of this variant in disease. Therefore, it has been classified as a Variant of Uncertain Significance.

NM_004972.4(JAK2):c.104T>C (p.Ile35Thr)

Genes: INSL6 (insulin like 6; minus strand), JAK2 (Janus kinase 2; plus strand). Cytogenetic location: 9p24.1.
Variant type: single nucleotide variant.
Coding change: c.104T>C on transcript NM_004972.4 (MANE Select); coding-DNA position 104, T replaced by C.
Protein change: p.Ile35Thr; replaces isoleucine 35 with threonine.
Molecular consequence: missense variant. On other transcripts: 5 prime UTR variant (2), non-coding transcript variant (2).
Genome position (GRCh38, 1-based): chr9:5,022,091, T>C. VCF-style: chr9-5022091-T-C. GRCh37 (hg19) VCF-style: chr9-5022091-T-C.
Other names: c.104T>C, p.Ile35Thr (NM_001322194.2, NM_001322195.2, NM_001322196.2); c.-1017T>C (NM_001322198.2, NM_001322199.2); short protein forms I35T.
Identifiers: ClinVar variation 2184833 (VCV002184833.4), dbSNP rs761588246, ClinGen allele CA4971483.